The following is an entry in ClinVar:

ClinVar aggregate classification (germline): Pathogenic/Likely pathogenic. Review status: criteria provided, multiple submitters, no conflicts (2 of 4 stars). 3 submissions from 3 submitters: Pathogenic (2); Likely pathogenic (1). Last evaluated 2024-12-05.

Conditions:
Congenital myotonia, autosomal dominant form (THD). Also called: THOMSEN DISEASE; Myotonia congenita autosomal dominant. Identifiers: Orphanet 614, MedGen C2936781, MONDO:0008055, OMIM 160800.
Congenital myotonia, autosomal recessive form. Also called: BECKER DISEASE; Becker Generalized Myotonia; myotonia congenita, autosomal recessive. Identifiers: Orphanet 614, MedGen C0751360, MONDO:0009715, OMIM 255700.

Allele frequency attached by ClinVar (database versions not stated): TOPMed below 0.00001; ExAC 0.00001; gnomAD 0.00001.
gnomAD v4.1: 20 of 1,611,070 alleles (0.0012%); highest among the groups gnomAD compares: Non-Finnish European, 0.0017%; no homozygotes.

Submissions (3):

Labcorp Genetics (formerly Invitae), Labcorp
Classification: Pathogenic for Congenital myotonia, autosomal recessive form; Congenital myotonia, autosomal dominant form. Last evaluated: 2024-12-05. Review status: criteria provided, single submitter. Criteria: Invitae Variant Classification Sherloc (09022015). Collection method: clinical testing. Allele origin: germline.
Comment: This sequence change affects an acceptor splice site in intron 2 of the CLCN1 gene. It is expected to disrupt RNA splicing. Variants that disrupt the donor or acceptor splice site typically lead to a loss of protein function (PMID: 16199547), and loss-of-function variants in CLCN1 are known to be pathogenic (PMID: 17932099, 22094069, 23739125). This variant is present in population databases (rs762272849, gnomAD 0.0009%). Disruption of this splice site has been observed in individuals with clinical features of autosomal recessive myotonia congenita (PMID: 18337730). ClinVar contains an entry for this variant (Variation ID: 2925417). Algorithms developed to predict the effect of sequence changes on RNA splicing suggest that this variant may disrupt the consensus splice site. For these reasons, this variant has been classified as Pathogenic.

Revvity Omics, Revvity
Classification: Pathogenic. Last evaluated: 2024-10-28. Review status: criteria provided, single submitter. Criteria: ACMG Guidelines, 2015. Collection method: clinical testing. Allele origin: germline.

Fulgent Genetics
Classification: Likely pathogenic for Congenital myotonia, autosomal dominant form; Congenital myotonia, autosomal recessive form. Last evaluated: 2024-04-20. Review status: criteria provided, single submitter. Criteria: ACMG Guidelines, 2015. Collection method: clinical testing. Allele origin: germline.

Literature cited by the submitters: PubMed 16199547 (cited by Labcorp Genetics (formerly Invitae), Labcorp); PubMed 17932099 (cited by Labcorp Genetics (formerly Invitae), Labcorp); PubMed 22094069 (cited by Labcorp Genetics (formerly Invitae), Labcorp); PubMed 23739125 (cited by Labcorp Genetics (formerly Invitae), Labcorp); PubMed 18337730 (cited by Labcorp Genetics (formerly Invitae), Labcorp).

NM_000083.3(CLCN1):c.302-2A>C

Gene: CLCN1 (chloride voltage-gated channel 1; plus strand). Cytogenetic location: 7q34.
Variant type: single nucleotide variant.
Coding change: c.302-2A>C on transcript NM_000083.3 (MANE Select); the canonical splice acceptor site of the intron before coding-DNA position 302, A replaced by C.
Molecular consequence: splice acceptor variant.
Genome position (GRCh38, 1-based): chr7:143,320,662, A>C. VCF-style: chr7-143320662-A-C. GRCh37 (hg19) VCF-style: chr7-143017755-A-C.
Identifiers: ClinVar variation 2925417 (VCV002925417.5), dbSNP rs762272849, ClinGen allele CA4536910.